The following is an entry in ClinVar:

NM_000059.4(BRCA2):c.7537G>T (p.Ala2513Ser)

Gene: BRCA2 (BRCA2 DNA repair associated; plus strand). Cytogenetic location: 13q13.1.
Variant type: single nucleotide variant.
Coding change: c.7537G>T on transcript NM_000059.4 (MANE Select); coding-DNA position 7537, G replaced by T.
Protein change: p.Ala2513Ser; replaces alanine 2513 with serine.
Molecular consequence: missense variant. On other transcripts: non-coding transcript variant (1).
Genome position (GRCh38, 1-based): chr13:32,356,529, G>T. VCF-style: chr13-32356529-G-T. GRCh37 (hg19) VCF-style: chr13-32930666-G-T.
Other names: c.7441G>T, p.Ala2481Ser (NM_001406719.1); c.7537G>T, p.Ala2513Ser (NM_001406720.1, NM_001432077.1); c.2605G>T, p.Ala869Ser (NM_001406721.1); c.1120G>T, p.Ala374Ser (NM_001406722.1); short protein forms A2481S, A2513S, A374S, A869S.
Identifiers: ClinVar variation 4802343 (VCV004802343.1).

ClinVar aggregate classification (germline): Uncertain significance (1 of 4 stars; one submission).

Conditions:
Hereditary breast ovarian cancer syndrome. Also called: Hereditary breast and ovarian cancer syndrome (HBOC); Hereditary breast and ovarian cancer; Breast and ovarian cancer; Hereditary breast and/or ovarian cancer syndrome; BRCA1- and BRCA2-Associated Hereditary Breast and Ovarian Cancer; Hereditary breast and ovarian cancer syndrome. Identifiers: Orphanet 145, MedGen C0677776, MeSH D061325, MONDO:0003582. Disease mechanism: loss of function.

Submission:

Labcorp Genetics (formerly Invitae), Labcorp
Classification: Uncertain significance for Hereditary breast ovarian cancer syndrome. Last evaluated: 2025-02-11. Review status: criteria provided, single submitter. Criteria: Invitae Variant Classification Sherloc (09022015). Collection method: clinical testing. Allele origin: germline.
Comment: This sequence change replaces alanine, which is neutral and non-polar, with serine, which is neutral and polar, at codon 2513 of the BRCA2 protein (p.Ala2513Ser). This variant is not present in population databases (gnomAD no frequency). This variant has not been reported in the literature in individuals affected with BRCA2-related conditions. Invitae Evidence Modeling of protein sequence and biophysical properties (such as structural, functional, and spatial information, amino acid conservation, physicochemical variation, residue mobility, and thermodynamic stability) indicates that this missense variant is not expected to disrupt BRCA2 protein function with a negative predictive value of 95%. In summary, the available evidence is currently insufficient to determine the role of this variant in disease. Therefore, it has been classified as a Variant of Uncertain Significance.